The following is an entry in ClinVar:

NM_006361.6(HOXB13):c.680del (p.Gln227fs)

Gene: HOXB13 (homeobox B13; minus strand). Cytogenetic location: 17q21.32.
Variant type: Deletion.
Coding change: c.680del on transcript NM_006361.6 (MANE Select); coding-DNA position 680, one base deleted (A; older notation c.680delA).
Protein change: p.Gln227fs; shifts the reading frame from glutamine 227.
Molecular consequence: frameshift variant.
Genome position (GRCh38, 1-based): chr17:48,726,965, T deleted on the plus strand (A on the coding strand, the reverse complement: HOXB13 is on the minus strand). VCF-style (leftmost placement, unchanged base first): chr17-48726964-CT-C. GRCh37 (hg19) VCF-style: chr17-46804326-CT-C.
Other names: short protein forms Q227fs.
Identifiers: ClinVar variation 1380177 (VCV001380177.6), dbSNP rs2143067010, ClinGen allele CA2573154106.

ClinVar aggregate classification (germline): Uncertain significance (1 of 4 stars; one submission).

Allele frequency attached by ClinVar (database versions not stated): gnomAD exomes below 0.00001.

Submission:

Labcorp Genetics (formerly Invitae), Labcorp
Classification: Uncertain significance. Last evaluated: 2021-09-08. Review status: criteria provided, single submitter. Criteria: Invitae Variant Classification Sherloc (09022015). Collection method: clinical testing. Allele origin: germline.
Comment: This sequence change creates a premature translational stop signal (p.Gln227Argfs*52) in the HOXB13 gene. While this is not anticipated to result in nonsense mediated decay, it is expected to disrupt the last 58 amino acid(s) of the HOXB13 protein. This variant is not present in population databases (ExAC no frequency). In summary, the available evidence is currently insufficient to determine the role of this variant in disease. Therefore, it has been classified as a Variant of Uncertain Significance. Experimental studies and prediction algorithms are not available or were not evaluated, and the functional significance of this variant is currently unknown. This variant has not been reported in the literature in individuals affected with HOXB13-related conditions.